The following is an entry in ClinVar:

NM_206933.4(USH2A):c.2155G>A (p.Ala719Thr)

Gene: USH2A (usherin; minus strand). Cytogenetic location: 1q41.
Variant type: single nucleotide variant.
Coding change: c.2155G>A on transcript NM_206933.4 (MANE Select); coding-DNA position 2155, G replaced by A.
Protein change: p.Ala719Thr; replaces alanine 719 with threonine.
Molecular consequence: missense variant.
Genome position (GRCh38, 1-based): chr1:216,250,915, C>T on the plus strand (G>A on the coding strand, the complement: USH2A is on the minus strand). VCF-style: chr1-216250915-C-T. GRCh37 (hg19) VCF-style: chr1-216424257-C-T.
Other names: c.2155G>A, p.Ala719Thr (NM_007123.6); short protein forms A719T.
Identifiers: ClinVar variation 1416338 (VCV001416338.7), dbSNP rs1407269297, ClinGen allele CA344866044.

ClinVar aggregate classification (germline): Uncertain significance (1 of 4 stars; one submission).

Allele frequency attached by ClinVar (database versions not stated): gnomAD exomes below 0.00001; TOPMed below 0.00001.
gnomAD v4.1: 1 of 1,613,920 alleles (0.000062%); highest among the groups gnomAD compares: Non-Finnish European, 0.000085%; no homozygotes.

Submission:

Labcorp Genetics (formerly Invitae), Labcorp
Classification: Uncertain significance. Last evaluated: 2024-10-26. Review status: criteria provided, single submitter. Criteria: Invitae Variant Classification Sherloc (09022015). Collection method: clinical testing. Allele origin: germline.
Comment: This sequence change replaces alanine, which is neutral and non-polar, with threonine, which is neutral and polar, at codon 719 of the USH2A protein (p.Ala719Thr). This variant is not present in population databases (gnomAD no frequency). This variant has not been reported in the literature in individuals affected with USH2A-related conditions. ClinVar contains an entry for this variant (Variation ID: 1416338). Invitae Evidence Modeling of protein sequence and biophysical properties (such as structural, functional, and spatial information, amino acid conservation, physicochemical variation, residue mobility, and thermodynamic stability) indicates that this missense variant is not expected to disrupt USH2A protein function with a negative predictive value of 95%. In summary, the available evidence is currently insufficient to determine the role of this variant in disease. Therefore, it has been classified as a Variant of Uncertain Significance.